The following is an entry in ClinVar:

NM_012471.3(TRPC5):c.1791C>T (p.Thr597=)

Gene: TRPC5 (transient receptor potential cation channel subfamily C member 5; minus strand). Cytogenetic location: Xq23.
Variant type: single nucleotide variant.
Coding change: c.1791C>T on transcript NM_012471.3 (MANE Select); coding-DNA position 1791, C replaced by T.
Protein change: p.Thr597=; no amino-acid change (threonine 597 retained).
Molecular consequence: synonymous variant.
Genome position (GRCh38, 1-based): chrX:111,835,026, G>A on the plus strand (C>T on the coding strand, the complement: TRPC5 is on the minus strand). VCF-style: chrX-111835026-G-A. GRCh37 (hg19) VCF-style: chrX-111078254-G-A.
Identifiers: ClinVar variation 785707 (VCV000785707.5), dbSNP rs80221920, ClinGen allele CA10494259.
Genomic context (GRCh38, chrX:111,835,026, plus strand): 5'-CAGCAGCACTACCAGGGAGATGACATTGTATGTTCCAAACATGGTAGCTCCTACAAACTC[G>A]GTGAATTCGTGTCTGGCTTTCACATTGGTGACATATAGATTTAAAAGGCCAAATACAGAC-3'
Protein context (NP_036603.1, residues 587-607): VTNVKARHEF[Thr597=]EFVGATMFGT

ClinVar aggregate classification (germline): Benign. Review status: criteria provided, single submitter (1 of 4 stars). 2 submissions from 2 submitters: Benign (1). 1 of the submissions does not count toward it. Last evaluated 2018-06-10.

Conditions:
TRPC5-related disorder. Also called: TRPC5-related condition.

Allele frequency attached by ClinVar (database versions not stated): gnomAD exomes 0.00052 and 0.00126; ExAC 0.00153; gnomAD 0.00462 and 0.00486; TOPMed 0.00484; 1000 Genomes Project 0.00530; ESP Exome Variant Server 0.00568; 1000 Genomes Project 30x 0.00645.
gnomAD v4.1: 1,082 of 1,209,198 alleles (0.089%); highest among the groups gnomAD compares: African/African-American, 1.6%; 5 homozygotes.

Submissions (2):

Labcorp Genetics (formerly Invitae), Labcorp
Classification: Benign. Last evaluated: 2018-06-10. Review status: criteria provided, single submitter. Criteria: Invitae Variant Classification Sherloc (09022015). Collection method: clinical testing. Allele origin: germline.

PreventionGenetics, part of Exact Sciences
Classification: Benign for TRPC5-related condition. Last evaluated: 2019-08-14. Review status: no assertion criteria provided. Collection method: clinical testing. Allele origin: germline. Not counted in ClinVar's aggregate classification.
Comment: This variant is classified as benign based on ACMG/AMP sequence variant interpretation guidelines (Richards et al. 2015 PMID: 25741868, with internal and published modifications).